The following is an entry in ClinVar:

ClinVar aggregate classification (germline): Likely pathogenic (1 of 4 stars; one submission).

Conditions:
OTOG-related disorder. Also called: OTOG-related condition.

Submission:

PreventionGenetics, part of Exact Sciences
Classification: Likely pathogenic for OTOG-related condition. Last evaluated: 2025-09-18. Review status: criteria provided, single submitter. Criteria: ACMG Guidelines, 2015. Collection method: clinical testing. Allele origin: germline.
Comment: The OTOG c.2982C>G variant is predicted to result in premature protein termination (p.Tyr994*). To our knowledge, this variant has not been reported in the literature or in a large population database (gnomAD), indicating this variant is rare. Nonsense variants in OTOG are expected to be pathogenic. This variant is interpreted as likely pathogenic.

NM_001292063.2(OTOG):c.2946C>G (p.Tyr982Ter)

Gene: OTOG (otogelin; plus strand). Cytogenetic location: 11p15.1.
Variant type: single nucleotide variant.
Coding change: c.2946C>G on transcript NM_001292063.2 (MANE Select); coding-DNA position 2946, C replaced by G.
Protein change: p.Tyr982Ter; replaces tyrosine 982 with a stop codon.
Molecular consequence: nonsense.
Genome position (GRCh38, 1-based): chr11:17,591,528, C>G. VCF-style: chr11-17591528-C-G. GRCh37 (hg19) VCF-style: chr11-17613075-C-G.
Other names: c.2982C>G, p.Tyr994Ter (NM_001277269.2); short protein forms Y994*, Y982*.
Identifiers: ClinVar variation 4980172 (VCV004980172.1).